The following is an entry in ClinVar:

ClinVar aggregate classification (germline): Pathogenic (1 of 4 stars; one submission).

Conditions:
Familial cancer of breast. Also called: BREAST CANCER, FAMILIAL; hereditary breast carcinoma; Hereditary breast cancer. Identifiers: Orphanet 227535, MedGen C0346153, MONDO:0016419, OMIM 114480. Disease mechanism: loss of function.

Submission:

Myriad Genetics, Inc.
Classification: Pathogenic for Familial cancer of breast. Last evaluated: 2023-06-05. Review status: criteria provided, single submitter. Criteria: Myriad Autosomal Dominant, Autosomal Recessive and X-Linked Classification Criteria (2023). Collection method: clinical testing. Allele origin: unknown.
Comment: This variant is considered pathogenic. This variant creates a frameshift predicted to result in premature protein truncation.

NM_024675.4(PALB2):c.3295_3305del (p.Thr1099fs)

Gene: PALB2 (partner and localizer of BRCA2; minus strand). Cytogenetic location: 16p12.2.
Variant type: Deletion.
Coding change: c.3295_3305del on transcript NM_024675.4 (MANE Select); coding-DNA positions 3295 to 3305, 11 bases deleted (ACGACTCTCAG).
Protein change: p.Thr1099fs; shifts the reading frame from threonine 1099.
Molecular consequence: frameshift variant.
Genome position (GRCh38, 1-based): chr16:23,607,909-23,607,919, CTGAGAGTCGT deleted on the plus strand (ACGACTCTCAG on the coding strand, the reverse complement: PALB2 is on the minus strand); deleting any 11 consecutive bases within chr16:23,607,909-23,607,921 gives the same sequence; the c. name uses the placement nearest the transcript's 3' end. VCF-style (leftmost placement, unchanged base first): chr16-23607908-GCTGAGAGTCGT-G. GRCh37 (hg19) VCF-style: chr16-23619229-GCTGAGAGTCGT-G.
Other names: short protein forms T1099fs.
Identifiers: ClinVar variation 2583839 (VCV002583839.2), dbSNP rs2506215030, ClinGen allele CA2582342508.